The following is an entry in ClinVar:

ClinVar aggregate classification (germline): Conflicting classifications of pathogenicity. Review status: criteria provided, conflicting classifications (1 of 4 stars). 3 submissions from 3 submitters: Uncertain significance (1); Likely benign (1). 1 of the submissions does not count toward it. Last evaluated 2024-11-25.

Conditions:
DMD-related disorder. Also called: DMD-related condition.

Allele frequency attached by ClinVar (database versions not stated): 1000 Genomes Project 30x 0.00021; gnomAD 0.00026 and 0.00031; TOPMed 0.00028; gnomAD exomes 0.00034 and 0.00055; ESP Exome Variant Server 0.00047; ExAC 0.00065.
gnomAD v4.1: 651 of 1,204,289 alleles (0.054%); highest among the groups gnomAD compares: Non-Finnish European, 0.067%; no homozygotes.

Submissions (3):

Blueprint Genetics
Classification: Likely benign. Last evaluated: 2024-11-25. Review status: criteria provided, single submitter. Criteria: ACMG Guidelines, 2015. Collection method: clinical testing. Allele origin: germline.

Laboratory for Molecular Medicine, Mass General Brigham Personalized Medicine
Classification: Uncertain significance. Last evaluated: 2015-06-23. Review status: criteria provided, single submitter. Criteria: LMM Criteria. Collection method: clinical testing. Allele origin: germline. Observed: 1 variant allele.
Comment: Variant classified as Uncertain Significance - Favor Benign.

PreventionGenetics, part of Exact Sciences
Classification: Likely benign for DMD-related condition. Last evaluated: 2024-03-21. Review status: no assertion criteria provided. Collection method: clinical testing. Allele origin: germline. Not counted in ClinVar's aggregate classification.
Comment: This variant is classified as likely benign based on ACMG/AMP sequence variant interpretation guidelines (Richards et al. 2015 PMID: 25741868, with internal and published modifications).

NM_004006.3(DMD):c.9225-5819G>T

Gene: DMD (dystrophin; minus strand). Cytogenetic location: Xp21.2.
Variant type: single nucleotide variant.
Coding change: c.9225-5819G>T on transcript NM_004006.3 (MANE Select); 5819 bases into the intron before coding-DNA position 9225, G replaced by T.
Molecular consequence: intron variant. On other transcripts: 5 prime UTR variant (5).
Genome position (GRCh38, 1-based): chrX:31,266,835, C>A on the plus strand (G>T on the coding strand, the complement: DMD is on the minus strand). VCF-style: chrX-31266835-C-A. GRCh37 (hg19) VCF-style: chrX-31284952-C-A.
Other names: c.-6G>T (NM_004015.3, NM_004016.3, NM_004017.3 and 2 more transcripts); c.9201-5819G>T (NM_000109.4); c.5202-5819G>T (NM_004011.4); c.5193-5819G>T (NM_004012.4); c.1845-5819G>T (NM_004023.3, NM_004020.4, NM_004022.3 and 2 more transcripts); c.1038-5819G>T (NM_004014.3); c.9213-5819G>T (NM_004009.3); c.8856-5819G>T (NM_004010.3); and 1 more.
Identifiers: ClinVar variation 228599 (VCV000228599.6), dbSNP rs377152944, ClinGen allele CA10377871.
Genomic context (GRCh38, chrX:31,266,835, plus strand): 5'-GCCATCAGACGGGGCCGGGGCCGCGATCCACTTACCCTTTGAGCTGTTCCCTCATGGCTG[C>A]AAGGGCTCCGCGGTCGAGTGTGGGTACGAGTGGAGGAGTGAGCTTCCCAGAGCCGCCGGG-3'